The following is an entry in ClinVar:

NM_003803.4(MYOM1):c.3433G>A (p.Val1145Ile)

Gene: MYOM1 (myomesin 1; minus strand). Cytogenetic location: 18p11.31.
Variant type: single nucleotide variant.
Coding change: c.3433G>A on transcript NM_003803.4 (MANE Select); coding-DNA position 3433, G replaced by A.
Protein change: p.Val1145Ile; replaces valine 1145 with isoleucine.
Molecular consequence: missense variant.
Genome position (GRCh38, 1-based): chr18:3,102,616, C>T on the plus strand (G>A on the coding strand, the complement: MYOM1 is on the minus strand). VCF-style: chr18-3102616-C-T. GRCh37 (hg19) VCF-style: chr18-3102614-C-T.
Other names: c.3145G>A, p.Val1049Ile (NM_019856.2); short protein forms V1049I, V1145I.
Identifiers: ClinVar variation 3671250 (VCV003671250.2).
Genomic context (GRCh38, chr18:3,102,616, plus strand): 5'-GAGTCATCTTATCACACTCGAAGTTCAATGAAATGACTCCATCATCATCCACATTTACAA[C>T]AACCTCTTTGGTTCCTACAAGATCAAAAAGAAGGCACTGATACTTCGTGGAGGAAAGCAA-3'
Protein context (NP_003794.3, residues 1135-1155): AETRPGTKEV[Val1145Ile]VNVDDDGVIS

ClinVar aggregate classification (germline): Uncertain significance (1 of 4 stars; one submission).

Conditions:
Hypertrophic cardiomyopathy. Also called: HYPERTROPHIC MYOCARDIOPATHY. Identifiers: Orphanet 217569, MedGen C0007194, MeSH D002312, MONDO:0005045, HP:0001639.

gnomAD v4.1: 1 of 1,613,338 alleles (0.000062%); highest among the groups gnomAD compares: Non-Finnish European, 0.000085%; no homozygotes.

Submission:

Labcorp Genetics (formerly Invitae), Labcorp
Classification: Uncertain significance for Hypertrophic cardiomyopathy. Last evaluated: 2025-07-13. Review status: criteria provided, single submitter. Criteria: Invitae Variant Classification Sherloc (09022015). Collection method: clinical testing. Allele origin: germline.
Comment: This sequence change replaces valine, which is neutral and non-polar, with isoleucine, which is neutral and non-polar, at codon 1145 of the MYOM1 protein (p.Val1145Ile). This variant is not present in population databases (gnomAD no frequency). This variant has not been reported in the literature in individuals affected with MYOM1-related conditions. ClinVar contains an entry for this variant (Variation ID: 3671250). Invitae Evidence Modeling of protein sequence and biophysical properties (such as structural, functional, and spatial information, amino acid conservation, physicochemical variation, residue mobility, and thermodynamic stability) indicates that this missense variant is not expected to disrupt MYOM1 protein function with a negative predictive value of 80%. In summary, the available evidence is currently insufficient to determine the role of this variant in disease. Therefore, it has been classified as a Variant of Uncertain Significance.